The following is an entry in ClinVar:

NM_001164462.2(MUC12):c.6261G>A (p.Thr2087=)

Gene: MUC12 (mucin 12, cell surface associated; plus strand). Cytogenetic location: 7q22.1.
Variant type: single nucleotide variant.
Coding change: c.6261G>A on transcript NM_001164462.2 (MANE Select); coding-DNA position 6261, G replaced by A.
Protein change: p.Thr2087=; no amino-acid change (threonine 2087 retained).
Molecular consequence: synonymous variant.
Genome position (GRCh38, 1-based): chr7:100,996,824, G>A. VCF-style: chr7-100996824-G-A. GRCh37 (hg19) VCF-style: chr7-100640105-G-A.
Identifiers: ClinVar variation 4873088 (VCV004873088.2).

ClinVar aggregate classification (germline): Likely benign (1 of 4 stars; one submission).

Submission:

CeGaT Center for Human Genetics Tuebingen
Classification: Likely benign. Last evaluated: 2026-05-01. Review status: criteria provided, single submitter. Criteria: CeGaT Center For Human Genetics Tuebingen Variant Classification Criteria Version 2. Collection method: clinical testing. Allele origin: germline. Affected: yes. Observed: 1 variant allele.
Comment: MUC12: BP4, BP7